The following is an entry in ClinVar:

NM_182961.4(SYNE1):c.13221C>T (p.Asp4407=)

Gene: SYNE1 (spectrin repeat containing nuclear envelope protein 1; minus strand). Cytogenetic location: 6q25.2.
Variant type: single nucleotide variant.
Coding change: c.13221C>T on transcript NM_182961.4 (MANE Select); coding-DNA position 13221, C replaced by T.
Protein change: p.Asp4407=; no amino-acid change (aspartic acid 4407 retained).
Molecular consequence: synonymous variant.
Genome position (GRCh38, 1-based): chr6:152,331,464, G>A on the plus strand (C>T on the coding strand, the complement: SYNE1 is on the minus strand). VCF-style: chr6-152331464-G-A. GRCh37 (hg19) VCF-style: chr6-152652599-G-A.
Other names: p.Asp4336=; c.13008C>T, p.Asp4336= (NM_033071.5).
Identifiers: ClinVar variation 130403 (VCV000130403.23), dbSNP rs10499268, ClinGen allele CA155358.

ClinVar aggregate classification (germline): Benign. Review status: criteria provided, multiple submitters, no conflicts (2 of 4 stars). 9 submissions from 8 submitters: Benign (6). 3 of the submissions do not count toward it. Last evaluated 2026-02-01.

Conditions:
Emery-Dreifuss muscular dystrophy 4, autosomal dominant (EDMD4). Also called: EMERY-DREIFUSS MUSCULAR DYSTROPHY 4 WITH VARIABLE FEATURES. Identifiers: Orphanet 261, MedGen C2751807, MONDO:0013071, OMIM 612998.
Autosomal recessive ataxia, Beauce type. Also called: SYNE1-Related Autosomal Recessive Cerebellar Ataxia; ATAXIA, RECESSIVE, OF BEAUCE; Spinocerebellar ataxia, autosomal recessive 8; SYNE1 Deficiency. Identifiers: Orphanet 88644, MedGen C1853116, MONDO:0012549, OMIM 610743.

Allele frequency attached by ClinVar (database versions not stated): gnomAD 0.03398 and 0.03416; ExAC 0.03427; gnomAD exomes 0.04145 and 0.03323; 1000 Genomes Project 0.03355; TOPMed 0.03416; 1000 Genomes Project 30x 0.03451; ESP Exome Variant Server 0.03937.
gnomAD v4.1: 65,780 of 1,614,068 alleles (4.1%); highest among the groups gnomAD compares: Non-Finnish European, 4.5%; 1,480 homozygotes.

Submissions (9):

Labcorp Genetics (formerly Invitae), Labcorp
Classification: Benign for Emery-Dreifuss muscular dystrophy 4, autosomal dominant; Autosomal recessive ataxia, Beauce type. Last evaluated: 2026-02-01. Review status: criteria provided, single submitter. Criteria: Invitae Variant Classification Sherloc (09022015). Collection method: clinical testing. Allele origin: germline.

Mayo Clinic Laboratories, Mayo Clinic
Classification: Benign. Last evaluated: 2018-04-03. Review status: criteria provided, single submitter. Criteria: ACMG Guidelines, 2015. Collection method: clinical testing. Allele origin: germline. Observed: 87 variant alleles.

Illumina Laboratory Services, Illumina
Classification: Benign for Autosomal recessive ataxia, Beauce type. Last evaluated: 2018-01-12. Review status: criteria provided, single submitter. Criteria: ICSL Variant Classification Criteria 13 December 2019. Collection method: clinical testing. Allele origin: germline.
Comment: This variant was observed in the ICSL laboratory as part of a predisposition screen in an ostensibly healthy population. It had not been previously curated by ICSL or reported in the Human Gene Mutation Database (HGMD: prior to June 1st, 2018), and was therefore a candidate for classification through an automated scoring system. Utilizing variant allele frequency, disease prevalence and penetrance estimates, and inheritance mode, an automated score was calculated to assess if this variant is too frequent to cause the disease. Based on the score and internal cut-off values, a variant classified as benign is not then subjected to further curation. The score for this variant resulted in a classification of benign for this disease.

Illumina Laboratory Services, Illumina
Classification: Benign for Emery-Dreifuss muscular dystrophy 4, autosomal dominant. Last evaluated: 2018-01-12. Review status: criteria provided, single submitter. Criteria: ICSL Variant Classification Criteria 13 December 2019. Collection method: clinical testing. Allele origin: germline.
Comment: the same text as in the submission from Illumina Laboratory Services, Illumina above.

GeneDx
Classification: Benign. Last evaluated: 2016-02-29. Review status: criteria provided, single submitter. Criteria: GeneDx Variant Classification (06012015). Collection method: clinical testing. Allele origin: germline. Affected: yes.
Comment: This variant is considered likely benign or benign based on one or more of the following criteria: it is a conservative change, it occurs at a poorly conserved position in the protein, it is predicted to be benign by multiple in silico algorithms, and/or has population frequency not consistent with disease.

PreventionGenetics, part of Exact Sciences
Classification: Benign. Review status: criteria provided, single submitter. Criteria: ACMG Guidelines, 2015. Collection method: clinical testing. Allele origin: germline.

Clinical Genetics DNA and cytogenetics Diagnostics Lab, Erasmus MC, Erasmus Medical Center
Classification: Benign. Review status: no assertion criteria provided. Collection method: clinical testing. Allele origin: germline. Affected: yes. Study: VKGL Data-share Consensus. Not counted in ClinVar's aggregate classification.

Clinical Genetics, Academic Medical Center
Classification: Benign. Review status: no assertion criteria provided. Collection method: clinical testing. Allele origin: germline. Affected: yes. Study: VKGL Data-share Consensus. Not counted in ClinVar's aggregate classification.

Genetic Services Laboratory, University of Chicago
Classification: Likely benign for AllHighlyPenetrant. Review status: no assertion criteria provided. Collection method: clinical testing. Allele origin: germline. Inheritance: Autosomal dominant inheritance. Not counted in ClinVar's aggregate classification.
Comment: Likely benign based on allele frequency in 1000 Genomes Project or ESP global frequency and its presence in a patient with a rare or unrelated disease phenotype. NOT Sanger confirmed.